The following is an entry in ClinVar:

NM_015721.3(GEMIN4):c.1902C>T (p.Pro634=)

Gene: GEMIN4 (gem nuclear organelle associated protein 4; minus strand). Cytogenetic location: 17p13.3.
Variant type: single nucleotide variant.
Coding change: c.1902C>T on transcript NM_015721.3 (MANE Select); coding-DNA position 1902, C replaced by T.
Protein change: p.Pro634=; no amino-acid change (proline 634 retained).
Molecular consequence: synonymous variant.
Genome position (GRCh38, 1-based): chr17:746,141, G>A on the plus strand (C>T on the coding strand, the complement: GEMIN4 is on the minus strand). VCF-style: chr17-746141-G-A. GRCh37 (hg19) VCF-style: chr17-649381-G-A.
Identifiers: ClinVar variation 3039695 (VCV003039695.3), dbSNP rs200492563, ClinGen allele CA8262525.

ClinVar aggregate classification (germline): Likely benign. Review status: criteria provided, single submitter (1 of 4 stars). 2 submissions from 2 submitters: Likely benign (1). 1 of the submissions does not count toward it. Last evaluated 2024-09-02.

Conditions:
GEMIN4-related disorder. Also called: GEMIN4-related condition.

Allele frequency attached by ClinVar (database versions not stated): gnomAD exomes 0.00025; ExAC 0.00077; gnomAD 0.00227; ESP Exome Variant Server 0.00234; TOPMed 0.00250; 1000 Genomes Project 0.00260; 1000 Genomes Project 30x 0.00297.
gnomAD v4.1: 725 of 1,613,924 alleles (0.045%); highest among the groups gnomAD compares: African/African-American, 0.84%; 7 homozygotes.

Submissions (2):

Blueprint Genetics
Classification: Likely benign. Last evaluated: 2024-09-02. Review status: criteria provided, single submitter. Criteria: ACMG Guidelines, 2015. Collection method: clinical testing. Allele origin: germline.

PreventionGenetics, part of Exact Sciences
Classification: Benign for GEMIN4-related condition. Last evaluated: 2019-05-28. Review status: no assertion criteria provided. Collection method: clinical testing. Allele origin: germline. Not counted in ClinVar's aggregate classification.
Comment: This variant is classified as benign based on ACMG/AMP sequence variant interpretation guidelines (Richards et al. 2015 PMID: 25741868, with internal and published modifications).